The following is an entry in ClinVar:

ClinVar aggregate classification (germline): Uncertain significance (1 of 4 stars; one submission).

Submission:

GeneDx
Classification: Uncertain significance. Last evaluated: 2019-10-22. Review status: criteria provided, single submitter. Criteria: GeneDx Variant Classification Process June 2021. Collection method: clinical testing. Allele origin: germline. Affected: yes.
Comment: Not observed in large population cohorts (Lek et al., 2016); In silico analysis, which includes protein predictors and evolutionary conservation, supports that this variant does not alter protein structure/function; Has not been previously published as pathogenic or benign to our knowledge

NM_001946.4(DUSP6):c.975G>A (p.Met325Ile)

Genes: DUSP6 (dual specificity phosphatase 6; minus strand), POC1B-DUSP6 (POC1B-DUSP6 readthrough; minus strand). Cytogenetic location: 12q21.33.
Variant type: single nucleotide variant.
Coding change: c.975G>A on transcript NM_001946.4 (MANE Select); coding-DNA position 975, G replaced by A.
Protein change: p.Met325Ile; replaces methionine 325 with isoleucine.
Molecular consequence: missense variant.
Genome position (GRCh38, 1-based): chr12:89,349,425, C>T on the plus strand (G>A on the coding strand, the complement: DUSP6 is on the minus strand). VCF-style: chr12-89349425-C-T. GRCh37 (hg19) VCF-style: chr12-89743202-C-T.
Other names: c.537G>A, p.Met179Ile (NM_022652.4); short protein forms M179I, M325I.
Identifiers: ClinVar variation 1309605 (VCV001309605.2), dbSNP rs1277928898, ClinGen allele CA385983882.